The following is an entry in ClinVar:

ClinVar aggregate classification (germline): Likely benign. Review status: criteria provided, single submitter (1 of 4 stars). 2 submissions from 2 submitters: Likely benign (1). 1 of the submissions does not count toward it. Last evaluated 2025-12-10.

Conditions:
ITGB4-related disorder. Also called: ITGB4-related condition.

Allele frequency attached by ClinVar (database versions not stated): gnomAD 0.00002; gnomAD exomes 0.00002; TOPMed 0.00005; ExAC 0.00006; ESP Exome Variant Server 0.00008.
gnomAD v4.1: 32 of 1,613,378 alleles (0.002%); highest among the groups gnomAD compares: Admixed American, 0.025%; no homozygotes.

Submissions (2):

Labcorp Genetics (formerly Invitae), Labcorp
Classification: Likely benign. Last evaluated: 2025-12-10. Review status: criteria provided, single submitter. Criteria: Invitae Variant Classification Sherloc (09022015). Collection method: clinical testing. Allele origin: germline.

PreventionGenetics, part of Exact Sciences
Classification: Likely benign for ITGB4-related condition. Last evaluated: 2019-02-18. Review status: no assertion criteria provided. Collection method: clinical testing. Allele origin: germline. Not counted in ClinVar's aggregate classification.
Comment: This variant is classified as likely benign based on ACMG/AMP sequence variant interpretation guidelines (Richards et al. 2015 PMID: 25741868, with internal and published modifications).

NM_000213.5(ITGB4):c.1482C>T (p.Thr494=)

Gene: ITGB4 (integrin subunit beta 4; plus strand). Cytogenetic location: 17q25.1.
Variant type: single nucleotide variant.
Coding change: c.1482C>T on transcript NM_000213.5 (MANE Select); coding-DNA position 1482, C replaced by T.
Protein change: p.Thr494=; no amino-acid change (threonine 494 retained).
Molecular consequence: synonymous variant.
Genome position (GRCh38, 1-based): chr17:75,733,517, C>T. VCF-style: chr17-75733517-C-T. GRCh37 (hg19) VCF-style: chr17-73729598-C-T.
Other names: c.1482C>T, p.Thr494= (NM_001005619.2, NM_001005731.3, NM_001321123.2).
Identifiers: ClinVar variation 1921763 (VCV001921763.7), dbSNP rs374056611, ClinGen allele CA8769040.